The following is an entry in ClinVar:

ClinVar aggregate classification (germline): Pathogenic (1 of 4 stars; one submission).

Conditions:
Cystic fibrosis (CF). Also called: MUCOVISCIDOSIS. Identifiers: Orphanet 586, MedGen C0010674, MONDO:0009061, OMIM 219700. Disease mechanism: loss of function.
CFTR-related disorder (CFTR-RD). Also called: CFTR-related disorders; CFTR-related condition. Identifiers: MedGen C5924204, MONDO:7770004.

Submission:

CFTR-France
Classification: Pathogenic for cystic fibrosis; CFTR-related disorders. Last evaluated: 2018-01-29. Review status: criteria provided, single submitter. Criteria: Claustres M et al. (Hum Mutat 2017). Collection method: curation. Allele origin: germline. Affected: yes.
Comment: the variant causes a phenotype but regarding our data, we can't formally attribute it to CF, CFTR-RD or both

NM_000492.4(CFTR):c.2556T>G (p.Tyr852Ter)

Gene: CFTR (CF transmembrane conductance regulator; plus strand). Cytogenetic location: 7q31.2.
Variant type: single nucleotide variant.
Coding change: c.2556T>G on transcript NM_000492.4 (MANE Select); coding-DNA position 2556, T replaced by G.
Protein change: p.Tyr852Ter; replaces tyrosine 852 with a stop codon.
Molecular consequence: nonsense.
Genome position (GRCh38, 1-based): chr7:117,594,995, T>G. VCF-style: chr7-117594995-T-G. GRCh37 (hg19) VCF-style: chr7-117235049-T-G.
Other names: short protein forms Y852*.
Identifiers: ClinVar variation 818158 (VCV000818158.1), dbSNP rs1584813819, ClinGen allele CA368983949.